The following is an entry in ClinVar:

NM_001211.6(BUB1B):c.2956G>C (p.Glu986Gln)

Genes: BUB1B (BUB1 mitotic checkpoint serine/threonine kinase B; plus strand), BUB1B-PAK6 (BUB1B-PAK6 readthrough; plus strand). Cytogenetic location: 15q15.1.
Variant type: single nucleotide variant.
Coding change: c.2956G>C on transcript NM_001211.6 (MANE Select); coding-DNA position 2956, G replaced by C.
Protein change: p.Glu986Gln; replaces glutamic acid 986 with glutamine.
Molecular consequence: missense variant. On other transcripts: intron variant (2).
Genome position (GRCh38, 1-based): chr15:40,218,561, G>C. VCF-style: chr15-40218561-G-C. GRCh37 (hg19) VCF-style: chr15-40510762-G-C.
Other names: c.-201+894G>C (NM_001128628.3); c.-118+894G>C (NM_001128629.3); short protein forms E986Q.
Identifiers: ClinVar variation 1798109 (VCV001798109.2), dbSNP rs2542587952, ClinGen allele CA391688417.

ClinVar aggregate classification (germline): Uncertain significance (1 of 4 stars; one submission).

Conditions:
Inborn genetic diseases. Identifiers: MedGen C0950123, MeSH D030342.

Submission:

Ambry Genetics
Classification: Uncertain significance for Inborn genetic diseases. Last evaluated: 2021-07-27. Review status: criteria provided, single submitter. Criteria: Ambry Variant Classification Scheme 2023. Collection method: clinical testing. Allele origin: germline.
Comment: The p.E986Q variant (also known as c.2956G>C), located in coding exon 22 of the BUB1B gene, results from a G to C substitution at nucleotide position 2956. The glutamic acid at codon 986 is replaced by glutamine, an amino acid with highly similar properties. This amino acid position is conserved. In addition, this alteration is predicted to be tolerated by in silico analysis. Since supporting evidence is limited at this time, the clinical significance of this alteration remains unclear.